The following is an entry in ClinVar:

ClinVar aggregate classification (germline): Likely pathogenic (1 of 4 stars; one submission).

Conditions:
Ehlers-Danlos syndrome, type 4 (EDSVASC). Also called: Ehlers-Danlos syndrome vascular type; Ehlers Danlos syndrome, ecchymotic type; Ehlers Danlos syndrome, arterial type; Ehlers Danlos syndrome, Sack-Barabas type; Ehlers-Danlos Syndrome Type IV. Identifiers: Orphanet 286, MedGen C0268338, MONDO:0017314, OMIM 130050.

Submission:

Juno Genomics, Hangzhou Juno Genomics, Inc
Classification: Likely pathogenic for Ehlers-Danlos syndrome, type 4. Review status: criteria provided, single submitter. Criteria: ACMG Guidelines, 2015. Collection method: clinical testing. Allele origin: germline.
Comment: Absent from controls (or at extremely low frequency if recessive) in Genome Aggregation Database.;Novel missense change at an amino acid residue where a different missense change determined to be pathogenic has been seen before.;Multiple lines of computational evidence support a deleterious effect on the gene or gene product.;Missense variant in a gene that has a low rate of benign missense variation.

NM_000090.4(COL3A1):c.835G>C (p.Gly279Arg)

Gene: COL3A1 (collagen type III alpha 1 chain; plus strand). Cytogenetic location: 2q32.2.
Variant type: single nucleotide variant.
Coding change: c.835G>C on transcript NM_000090.4 (MANE Select); coding-DNA position 835, G replaced by C.
Protein change: p.Gly279Arg; replaces glycine 279 with arginine.
Molecular consequence: missense variant.
Genome position (GRCh38, 1-based): chr2:188,991,040, G>C. VCF-style: chr2-188991040-G-C. GRCh37 (hg19) VCF-style: chr2-189855766-G-C.
Other names: short protein forms G279R.
Identifiers: ClinVar variation 3764712 (VCV003764712.3).